The following is an entry in ClinVar:

NM_000209.4(PDX1):c.407-19C>A

Gene: PDX1 (pancreatic and duodenal homeobox 1; plus strand). Cytogenetic location: 13q12.2.
Variant type: single nucleotide variant.
Coding change: c.407-19C>A on transcript NM_000209.4 (MANE Select); 19 bases into the intron before coding-DNA position 407, C replaced by A.
Molecular consequence: intron variant.
Genome position (GRCh38, 1-based): chr13:27,924,237, C>A. VCF-style: chr13-27924237-C-A. GRCh37 (hg19) VCF-style: chr13-28498374-C-A.
Identifiers: ClinVar variation 2990533 (VCV002990533.5), dbSNP rs778901831, ClinGen allele CA247265184.

ClinVar aggregate classification (germline): Likely benign. Review status: criteria provided, multiple submitters, no conflicts (2 of 4 stars). 2 submissions from 2 submitters: Likely benign (2). Last evaluated 2025-01-09.

gnomAD v4.1: 10 of 1,569,318 alleles (0.00064%); highest among the groups gnomAD compares: Non-Finnish European, 0.00086%; no homozygotes.

Submissions (2):

Women's Health and Genetics/Laboratory Corporation of America, LabCorp
Classification: Likely benign. Last evaluated: 2025-01-09. Review status: criteria provided, single submitter. Criteria: LabCorp Variant Classification Summary - May 2015. Collection method: clinical testing. Allele origin: germline.
Comment: Variant summary: PDX1 c.407-19C>A alters a non-conserved nucleotide located at a position not widely known to affect splicing. Consensus agreement among computation tools predict no significant impact on normal splicing (Trap). However, these predictions have yet to be confirmed by functional studies. The variant allele was found at a frequency of 1e-05 in 190652 control chromosomes. The available data on variant occurrences in the general population are insufficient to allow any conclusion about variant significance. c.407-19C>A has been reported in the literature in at-least one individual suspected with Familial Monogenic Diabetes (Maturity Onset Diabetes Of The Young 4)/Neonatal Diabetes Mellitus (example: Eser_2024). These report(s) do not provide unequivocal conclusions about association of the variant with Familial Monogenic Diabetes (Maturity Onset Diabetes Of The Young 4)/Neonatal Diabetes Mellitus. To our knowledge, no experimental evidence demonstrating an impact on protein function has been reported. The following publication has been ascertained in the context of this evaluation (PMID: 39361122). ClinVar contains an entry for this variant (Variation ID: 2990533). Based on the evidence outlined above, the variant was classified as likely benign.

Labcorp Genetics (formerly Invitae), Labcorp
Classification: Likely benign. Last evaluated: 2023-07-06. Review status: criteria provided, single submitter. Criteria: Invitae Variant Classification Sherloc (09022015). Collection method: clinical testing. Allele origin: germline.

Literature cited by the submitters: PubMed 39361122 (cited by Women's Health and Genetics/Laboratory Corporation of America, LabCorp).